The following is an entry in ClinVar:

ClinVar aggregate classification (germline): Uncertain significance (1 of 4 stars; one submission).

Conditions:
Cenani-Lenz syndactyly syndrome. Also called: SYNDACTYLY, TYPE VII; CENANI SYNDACTYLISM. Identifiers: Orphanet 3258, MedGen C1859309, MONDO:0008931, OMIM 212780.
Congenital myasthenic syndrome 17. Identifiers: Orphanet 590, MedGen C4225377, MONDO:0014578, OMIM 616304.
Sclerosteosis 2 (SOST2). Identifiers: Orphanet 3152, MedGen C3280402, MONDO:0013679, OMIM 614305.

Allele frequency attached by ClinVar (database versions not stated): gnomAD 0.00001.
gnomAD v4.1: 5 of 1,613,896 alleles (0.00031%); highest among the groups gnomAD compares: Admixed American, 0.0033%; no homozygotes.

Submission:

Labcorp Genetics (formerly Invitae), Labcorp
Classification: Uncertain significance for Cenani-Lenz syndactyly syndrome; Sclerosteosis 2; Congenital myasthenic syndrome 17. Last evaluated: 2025-03-31. Review status: criteria provided, single submitter. Criteria: Invitae Variant Classification Sherloc (09022015). Collection method: clinical testing. Allele origin: germline.
Comment: This sequence change replaces serine, which is neutral and polar, with asparagine, which is neutral and polar, at codon 774 of the LRP4 protein (p.Ser774Asn). This variant is present in population databases (no rsID available, gnomAD 0.003%). This variant has not been reported in the literature in individuals affected with LRP4-related conditions. ClinVar contains an entry for this variant (Variation ID: 2198292). Invitae Evidence Modeling of protein sequence and biophysical properties (such as structural, functional, and spatial information, amino acid conservation, physicochemical variation, residue mobility, and thermodynamic stability) indicates that this missense variant is not expected to disrupt LRP4 protein function with a negative predictive value of 80%. In summary, the available evidence is currently insufficient to determine the role of this variant in disease. Therefore, it has been classified as a Variant of Uncertain Significance.

NM_002334.4(LRP4):c.2321G>A (p.Ser774Asn)

Gene: LRP4 (LDL receptor related protein 4; minus strand). Cytogenetic location: 11p11.2.
Variant type: single nucleotide variant.
Coding change: c.2321G>A on transcript NM_002334.4 (MANE Select); coding-DNA position 2321, G replaced by A.
Protein change: p.Ser774Asn; replaces serine 774 with asparagine.
Molecular consequence: missense variant.
Genome position (GRCh38, 1-based): chr11:46,886,428, C>T on the plus strand (G>A on the coding strand, the complement: LRP4 is on the minus strand). VCF-style: chr11-46886428-C-T. GRCh37 (hg19) VCF-style: chr11-46907979-C-T.
Other names: short protein forms S774N.
Identifiers: ClinVar variation 2198292 (VCV002198292.3), dbSNP rs1386127308, ClinGen allele CA380280778.